The following is an entry in ClinVar:

ClinVar aggregate classification (germline): Uncertain significance (1 of 4 stars; one submission).

Conditions:
Hereditary cancer-predisposing syndrome. Also called: Neoplastic Syndromes, Hereditary; Tumor predisposition; Hereditary Cancer Syndrome; Hereditary neoplastic syndrome. Identifiers: Orphanet 140162, MedGen C0027672, MeSH D009386, MONDO:0015356.

Submission:

Ambry Genetics
Classification: Uncertain significance for Hereditary cancer-predisposing syndrome. Last evaluated: 2015-12-07. Review status: criteria provided, single submitter. Criteria: Ambry Variant Classification Scheme 2023. Collection method: clinical testing. Allele origin: germline.
Comment: The p.A1352S variant (also known as c.4054G>T), located in coding exon 28 of the SMARCA4 gene, results from a G to T substitution at nucleotide position 4054. The alanine at codon 1352 is replaced by serine, an amino acid with similar properties. This variant was not reported in population based cohorts in the following databases: Database of Single Nucleotide Polymorphisms (dbSNP), NHLBI Exome Sequencing Project (ESP), and 1000 Genomes Project. In the ESP, this variant was not observed in 6503 samples (13006 alleles) with coverage at this position. To date, this alteration has been detected with an allele frequency of approximately 0.003% (greater than 30000 alleles tested) in our clinical cohort. This amino acid position is highly conserved in available vertebrate species. In addition, the in silico prediction for this alteration is inconclusive. Since supporting evidence is limited at this time, the clinical significance of p.A1352S remains unclear.

NM_003072.5(SMARCA4):c.4054G>T (p.Ala1352Ser)

Gene: SMARCA4 (SWI/SNF related BAF chromatin remodeling complex subunit ATPase 4; plus strand). Cytogenetic location: 19p13.2.
Variant type: single nucleotide variant.
Coding change: c.4054G>T on transcript NM_003072.5 (MANE Select); coding-DNA position 4054, G replaced by T.
Protein change: p.Ala1352Ser; replaces alanine 1352 with serine.
Molecular consequence: missense variant. On other transcripts: non-coding transcript variant (1).
Genome position (GRCh38, 1-based): chr19:11,035,016, G>T. VCF-style: chr19-11035016-G-T. GRCh37 (hg19) VCF-style: chr19-11145692-G-T.
Other names: c.4054G>T, p.Ala1352Ser (NM_001128844.3, NM_001128849.3, NM_001387283.1); c.3955G>T, p.Ala1319Ser (NM_001128845.2, NM_001128846.2, NM_001128847.4 and 3 more transcripts); short protein forms A1319S, A1352S.
Identifiers: ClinVar variation 1737406 (VCV001737406.2), dbSNP rs1228120902, ClinGen allele CA404068214.